The following is an entry in ClinVar:

ClinVar aggregate classification (germline): Likely benign. Review status: criteria provided, multiple submitters, no conflicts (2 of 4 stars). 3 submissions from 3 submitters: Likely benign (2). 1 of the submissions does not count toward it. Last evaluated 2025-09-15.

Conditions:
COL9A3-related disorder. Also called: COL9A3-related condition.

Allele frequency attached by ClinVar (database versions not stated): ExAC 0.00003; gnomAD exomes 0.00003 and 0.00004.

Submissions (3):

Labcorp Genetics (formerly Invitae), Labcorp
Classification: Likely benign. Last evaluated: 2025-09-15. Review status: criteria provided, single submitter. Criteria: Invitae Variant Classification Sherloc (09022015). Collection method: clinical testing. Allele origin: germline.

Blueprint Genetics
Classification: Likely benign. Last evaluated: 2024-11-06. Review status: criteria provided, single submitter. Criteria: ACMG Guidelines, 2015. Collection method: clinical testing. Allele origin: germline.

PreventionGenetics, part of Exact Sciences
Classification: Likely benign for COL9A3-related condition. Last evaluated: 2022-06-20. Review status: no assertion criteria provided. Collection method: clinical testing. Allele origin: germline. Not counted in ClinVar's aggregate classification.
Comment: This variant is classified as likely benign based on ACMG/AMP sequence variant interpretation guidelines (Richards et al. 2015 PMID: 25741868, with internal and published modifications).

NM_001853.4(COL9A3):c.1623C>T (p.Ala541=)

Gene: COL9A3 (collagen type IX alpha 3 chain; plus strand). Cytogenetic location: 20q13.33.
Variant type: single nucleotide variant.
Coding change: c.1623C>T on transcript NM_001853.4 (MANE Select); coding-DNA position 1623, C replaced by T.
Protein change: p.Ala541=; no amino-acid change (alanine 541 retained).
Molecular consequence: synonymous variant.
Genome position (GRCh38, 1-based): chr20:62,837,102, C>T. VCF-style: chr20-62837102-C-T. GRCh37 (hg19) VCF-style: chr20-61468454-C-T.
Other names: c.1623C>T (NM_001853.3).
Identifiers: ClinVar variation 1082721 (VCV001082721.12), dbSNP rs756630567, ClinGen allele CA9950122.
Genomic context (GRCh38, chr20:62,837,102, plus strand): 5'-TCCTCTCTCGAGTAAACGCCTGCACCCTTGTTTTCCCAAAGAACAAATTGCACAGTTAGC[C>T]GCGCACCTAAGGAAGCCTTTGGCACCCGGGTCCATTGGTCGGCCCGGTCCAGCTGGCCCC-3'
Protein context (NP_001844.3, residues 531-551): GMISEQIAQL[Ala541=]AHLRKPLAPG